The following is an entry in ClinVar:

NM_005379.4(MYO1A):c.74_76dup (p.Leu25_Lys26insIle)

Gene: MYO1A (myosin IA; minus strand). Cytogenetic location: 12q13.3.
Variant type: Duplication.
Coding change: c.74_76dup on transcript NM_005379.4 (MANE Select); coding-DNA positions 74 to 76, 3 bases duplicated (TCA; older notation c.74_76dupTCA).
Protein change: p.Leu25_Lys26insIle.
Molecular consequence: inframe insertion.
Genome position (GRCh38, 1-based): chr12:57,048,248-57,048,250, TGA duplicated on the plus strand (TCA on the coding strand, the reverse complement: MYO1A is on the minus strand). VCF-style (leftmost placement, unchanged base first): chr12-57048247-T-TTGA. GRCh37 (hg19) VCF-style: chr12-57442031-T-TTGA.
Other names: c.74_76dup, p.Leu25_Lys26insIle (NM_001256041.2).
Identifiers: ClinVar variation 2628395 (VCV002628395.1), dbSNP rs2547970348, ClinGen allele CA2695199093.

ClinVar aggregate classification (germline): Uncertain significance (1 of 4 stars; one submission).

Conditions:
MYO1A-related disorder. Also called: MYO1A-related condition.

Submission:

PreventionGenetics, part of Exact Sciences
Classification: Uncertain significance for MYO1A-related condition. Last evaluated: 2022-10-21. Review status: criteria provided, single submitter. Criteria: ACMG Guidelines, 2015. Collection method: clinical testing. Allele origin: germline.
Comment: The MYO1A c.74_76dupTCA variant is predicted to result in an in-frame duplication (p.Leu25_Lys26insIle). To our knowledge, this variant has not been reported in the literature or in a large population database, indicating this variant is rare. At this time, the clinical significance of this variant is uncertain due to the absence of conclusive functional and genetic evidence.